The following is an entry in ClinVar:

ClinVar aggregate classification (germline): Uncertain significance (1 of 4 stars; one submission).

Allele frequency attached by ClinVar (database versions not stated): ExAC 0.00001; TOPMed 0.00002; gnomAD 0.00003.
gnomAD v4.1: 4 of 1,613,056 alleles (0.00025%); highest among the groups gnomAD compares: African/African-American, 0.004%; no homozygotes.

Submission:

GeneDx
Classification: Uncertain significance. Last evaluated: 2023-12-08. Review status: criteria provided, single submitter. Criteria: GeneDx Variant Classification Process June 2021. Collection method: clinical testing. Allele origin: germline. Affected: yes.
Comment: Not observed at significant frequency in large population cohorts (gnomAD); Has not been previously published as pathogenic or benign to our knowledge

NM_001267550.2(TTN):c.11311+2969A>C

Gene: TTN (titin; minus strand). Cytogenetic location: 2q31.2.
Variant type: single nucleotide variant.
Coding change: c.11311+2969A>C on transcript NM_001267550.2 (MANE Select); 2969 bases into the intron after coding-DNA position 11311, A replaced by C.
Molecular consequence: intron variant. On other transcripts: missense variant (1).
Genome position (GRCh38, 1-based): chr2:178,750,155, T>G on the plus strand (A>C on the coding strand, the complement: TTN is on the minus strand). VCF-style: chr2-178750155-T-G. GRCh37 (hg19) VCF-style: chr2-179614882-T-G.
Other names: c.12245A>C, p.His4082Pro (NM_133379.5); c.10222+2969A>C (NM_003319.4); c.10798+2969A>C (NM_133437.4); c.10597+2969A>C (NM_133432.3); c.10360+2969A>C (NM_133378.4, NM_001256850.1); short protein forms H4082P.
Identifiers: ClinVar variation 3252588 (VCV003252588.1), dbSNP rs753855902.